The following is an entry in ClinVar:

NM_006947.4(SRP72):c.250A>G (p.Lys84Glu)

Gene: SRP72 (signal recognition particle 72; plus strand). Cytogenetic location: 4q12.
Variant type: single nucleotide variant.
Coding change: c.250A>G on transcript NM_006947.4 (MANE Select); coding-DNA position 250, A replaced by G.
Protein change: p.Lys84Glu; replaces lysine 84 with glutamic acid.
Molecular consequence: missense variant. On other transcripts: non-coding transcript variant (1).
Genome position (GRCh38, 1-based): chr4:56,471,739, A>G. VCF-style: chr4-56471739-A-G. GRCh37 (hg19) VCF-style: chr4-57337905-A-G.
Other names: c.250A>G, p.Lys84Glu (NM_001267722.2); short protein forms K84E.
Identifiers: ClinVar variation 1373299 (VCV001373299.6), dbSNP rs2110111855, ClinGen allele CA356996049.

ClinVar aggregate classification (germline): Uncertain significance (1 of 4 stars; one submission).

Submission:

Labcorp Genetics (formerly Invitae), Labcorp
Classification: Uncertain significance. Last evaluated: 2022-12-02. Review status: criteria provided, single submitter. Criteria: Invitae Variant Classification Sherloc (09022015). Collection method: clinical testing. Allele origin: germline.
Comment: In summary, the available evidence is currently insufficient to determine the role of this variant in disease. Therefore, it has been classified as a Variant of Uncertain Significance. Algorithms developed to predict the effect of sequence changes on RNA splicing suggest that this variant may disrupt the consensus splice site. Advanced modeling of protein sequence and biophysical properties (such as structural, functional, and spatial information, amino acid conservation, physicochemical variation, residue mobility, and thermodynamic stability) performed at Invitae indicates that this missense variant is not expected to disrupt SRP72 protein function. ClinVar contains an entry for this variant (Variation ID: 1373299). This variant has not been reported in the literature in individuals affected with SRP72-related conditions. This variant is not present in population databases (gnomAD no frequency). This sequence change replaces lysine, which is basic and polar, with glutamic acid, which is acidic and polar, at codon 84 of the SRP72 protein (p.Lys84Glu).